The following is an entry in ClinVar:

NM_006269.2(RP1):c.4216A>G (p.Lys1406Glu)

Gene: RP1 (RP1 axonemal microtubule associated; plus strand). Cytogenetic location: 8q12.1.
Variant type: single nucleotide variant.
Coding change: c.4216A>G on transcript NM_006269.2 (MANE Select); coding-DNA position 4216, A replaced by G.
Protein change: p.Lys1406Glu; replaces lysine 1406 with glutamic acid.
Molecular consequence: missense variant. On other transcripts: intron variant (1).
Genome position (GRCh38, 1-based): chr8:54,628,098, A>G. VCF-style: chr8-54628098-A-G. GRCh37 (hg19) VCF-style: chr8-55540658-A-G.
Other names: c.787+5810A>G (NM_001375654.1); short protein forms K1406E.
Identifiers: ClinVar variation 1385034 (VCV001385034.9), dbSNP rs562213663, ClinGen allele CA4751820.
Genomic context (GRCh38, chr8:54,628,098, plus strand): 5'-ACATTGGTGTCACATCAAAATGTCAGTAATTTAAGCTCCTGTGGCCTTTGCCTAAGTGAA[A>G]AAGAAGCAGAACTTGATAAGAAACATAGTTCTCTAGATGATTTTGAAAATTGTTCACTAA-3'
Protein context (NP_006260.1, residues 1396-1416): LSSCGLCLSE[Lys1406Glu]EAELDKKHSS

ClinVar aggregate classification (germline): Uncertain significance. Review status: criteria provided, multiple submitters, no conflicts (2 of 4 stars). 2 submissions from 2 submitters: Uncertain significance (2). Last evaluated 2024-01-26.

Allele frequency attached by ClinVar (database versions not stated): gnomAD 0.00003; gnomAD exomes 0.00005; ExAC 0.00007; 1000 Genomes Project 0.00020; 1000 Genomes Project 30x 0.00062.
gnomAD v4.1: 58 of 1,614,072 alleles (0.0036%); highest among the groups gnomAD compares: South Asian, 0.06%; no homozygotes.

Submissions (2):

Labcorp Genetics (formerly Invitae), Labcorp
Classification: Uncertain significance. Last evaluated: 2024-01-26. Review status: criteria provided, single submitter. Criteria: Invitae Variant Classification Sherloc (09022015). Collection method: clinical testing. Allele origin: germline.
Comment: This sequence change replaces lysine, which is basic and polar, with glutamic acid, which is acidic and polar, at codon 1406 of the RP1 protein (p.Lys1406Glu). This variant is present in population databases (rs562213663, gnomAD 0.04%). This variant has not been reported in the literature in individuals affected with RP1-related conditions. ClinVar contains an entry for this variant (Variation ID: 1385034). Algorithms developed to predict the effect of missense changes on protein structure and function output the following: SIFT: "Not Available"; PolyPhen-2: "Benign"; Align-GVGD: "Not Available". The glutamic acid amino acid residue is found in multiple mammalian species, which suggests that this missense change does not adversely affect protein function. In summary, the available evidence is currently insufficient to determine the role of this variant in disease. Therefore, it has been classified as a Variant of Uncertain Significance.

Blueprint Genetics
Classification: Uncertain significance. Last evaluated: 2023-08-01. Review status: criteria provided, single submitter. Criteria: ACMG Guidelines, 2015. Collection method: clinical testing. Allele origin: germline.